The following is an entry in ClinVar:

NM_002734.5(PRKAR1A):c.717A>C (p.Thr239=)

Gene: PRKAR1A (protein kinase cAMP-dependent type I regulatory subunit alpha; plus strand). Cytogenetic location: 17q24.2.
Variant type: single nucleotide variant.
Coding change: c.717A>C on transcript NM_002734.5 (MANE Select); coding-DNA position 717, A replaced by C.
Protein change: p.Thr239=; no amino-acid change (threonine 239 retained).
Molecular consequence: synonymous variant.
Genome position (GRCh38, 1-based): chr17:68,527,848, A>C. VCF-style: chr17-68527848-A-C. GRCh37 (hg19) VCF-style: chr17-66523989-A-C.
Other names: c.717A>C, p.Thr239= (NM_001276289.2, NM_001276290.1, NM_001278433.2 and 4 more transcripts).
Identifiers: ClinVar variation 1157768 (VCV001157768.26), dbSNP rs138919971, ClinGen allele CA8729353.
Genomic context (GRCh38, chr17:68,527,848, plus strand): 5'-TGGTGATAATTACACGTCTTGGGGATATCACTTTTGTTATTTTTATTTTTAGGGAAGCAC[A>C]CTGAGAAAGCGGAAGATGTATGAGGAATTCCTTAGTAAAGTCTCTATTTTAGGTGAGTTG-3'
Protein context (NP_002725.1, residues 229-249): DSYRRILMGS[Thr239=]LRKRKMYEEF

ClinVar aggregate classification (germline): Likely benign. Review status: criteria provided, multiple submitters, no conflicts (2 of 4 stars). 4 submissions from 4 submitters: Likely benign (4). Last evaluated 2025-05-15.

Conditions:
Carney complex, type 1 (CNC1). Also called: CARNEY MYXOMA-ENDOCRINE COMPLEX; CARNEY COMPLEX, TYPE I. Identifiers: Orphanet 1359, MedGen C2607929, MONDO:0008057, OMIM 160980.
Hereditary cancer-predisposing syndrome. Also called: Tumor predisposition; Hereditary neoplastic syndrome; Hereditary Cancer Syndrome; Neoplastic Syndromes, Hereditary. Identifiers: Orphanet 140162, MedGen C0027672, MeSH D009386, MONDO:0015356.

Allele frequency attached by ClinVar (database versions not stated): gnomAD 0.00001.
gnomAD v4.1: 4 of 1,611,394 alleles (0.00025%); highest among the groups gnomAD compares: Non-Finnish European, 0.00034%; no homozygotes.

Submissions (4):

Labcorp Genetics (formerly Invitae), Labcorp
Classification: Likely benign for Carney complex, type 1. Last evaluated: 2025-05-15. Review status: criteria provided, single submitter. Criteria: Invitae Variant Classification Sherloc (09022015). Collection method: clinical testing. Allele origin: germline.

CeGaT Center for Human Genetics Tuebingen
Classification: Likely benign. Last evaluated: 2024-11-01. Review status: criteria provided, single submitter. Criteria: CeGaT Center For Human Genetics Tuebingen Variant Classification Criteria Version 2. Collection method: clinical testing. Allele origin: germline. Affected: yes. Observed: 1 variant allele.
Comment: PRKAR1A: BP4, BP7

Blueprint Genetics
Classification: Likely benign. Last evaluated: 2024-05-24. Review status: criteria provided, single submitter. Criteria: ACMG Guidelines, 2015. Collection method: clinical testing. Allele origin: germline.

Ambry Genetics
Classification: Likely benign for Hereditary cancer-predisposing syndrome. Last evaluated: 2020-11-13. Review status: criteria provided, single submitter. Criteria: Ambry Variant Classification Scheme 2023. Collection method: clinical testing. Allele origin: germline.